The following is an entry in ClinVar:

NM_005859.5(PURA):c.757T>G (p.Tyr253Asp)

Gene: PURA (purine rich element binding protein A; plus strand). Cytogenetic location: 5q31.3.
Variant type: single nucleotide variant.
Coding change: c.757T>G on transcript NM_005859.5 (MANE Select); coding-DNA position 757, T replaced by G.
Protein change: p.Tyr253Asp; replaces tyrosine 253 with aspartic acid.
Molecular consequence: missense variant.
Genome position (GRCh38, 1-based): chr5:140,114,938, T>G. VCF-style: chr5-140114938-T-G. GRCh37 (hg19) VCF-style: chr5-139494523-T-G.
Other names: short protein forms Y253D.
Identifiers: ClinVar variation 2700664 (VCV002700664.3), dbSNP rs2479506061, ClinGen allele CA361491475.

ClinVar aggregate classification (germline): Uncertain significance (1 of 4 stars; one submission).

Conditions:
PURA-related severe neonatal hypotonia-seizures-encephalopathy syndrome (NEDRIHF). Also called: PURA-Related Neurodevelopmental Disorders; NEURODEVELOPMENTAL DISORDER WITH NEONATAL RESPIRATORY INSUFFICIENCY, HYPOTONIA, AND FEEDING DIFFICULTIES. Identifiers: Orphanet 438213, Orphanet 438216, MedGen C4015357, MONDO:1060108, OMIM 616158, MONDO:0018580.

Submission:

Labcorp Genetics (formerly Invitae), Labcorp
Classification: Uncertain significance for PURA-related severe neonatal hypotonia-seizures-encephalopathy syndrome. Last evaluated: 2023-12-03. Review status: criteria provided, single submitter. Criteria: Invitae Variant Classification Sherloc (09022015). Collection method: clinical testing. Allele origin: germline.
Comment: This sequence change replaces tyrosine, which is neutral and polar, with aspartic acid, which is acidic and polar, at codon 253 of the PURA protein (p.Tyr253Asp). This variant is not present in population databases (gnomAD no frequency). This variant has not been reported in the literature in individuals affected with PURA-related conditions. Advanced modeling of protein sequence and biophysical properties (such as structural, functional, and spatial information, amino acid conservation, physicochemical variation, residue mobility, and thermodynamic stability) performed at Invitae indicates that this missense variant is not expected to disrupt PURA protein function with a negative predictive value of 80%. In summary, the available evidence is currently insufficient to determine the role of this variant in disease. Therefore, it has been classified as a Variant of Uncertain Significance.